The following is an entry in ClinVar:

ClinVar aggregate classification (germline): Likely benign. Review status: criteria provided, single submitter (1 of 4 stars). 2 submissions from 2 submitters: Likely benign (1). 1 of the submissions does not count toward it. Last evaluated 2020-08-12.

Conditions:
SKI-related disorder. Also called: SKI-related condition.
Familial thoracic aortic aneurysm and aortic dissection (TAAD). Also called: Thoracic aortic aneurysms and dissections. Identifiers: Orphanet 91387, MedGen C4707243, MONDO:0019625.

gnomAD v4.1: 3 of 1,588,448 alleles (0.00019%); highest among the groups gnomAD compares: Non-Finnish European, 0.00026%; no homozygotes.

Submissions (2):

Ambry Genetics
Classification: Likely benign for Familial thoracic aortic aneurysm and aortic dissection. Last evaluated: 2020-08-12. Review status: criteria provided, single submitter. Criteria: Ambry Variant Classification Scheme 2023. Collection method: clinical testing. Allele origin: germline.

PreventionGenetics, part of Exact Sciences
Classification: Likely benign for SKI-related condition. Last evaluated: 2019-09-20. Review status: no assertion criteria provided. Collection method: clinical testing. Allele origin: germline. Not counted in ClinVar's aggregate classification.
Comment: This variant is classified as likely benign based on ACMG/AMP sequence variant interpretation guidelines (Richards et al. 2015 PMID: 25741868, with internal and published modifications).

NM_003036.4(SKI):c.1785C>T (p.Arg595=)

Gene: SKI (SKI proto-oncogene; plus strand). Cytogenetic location: 1p36.32.
Variant type: single nucleotide variant.
Coding change: c.1785C>T on transcript NM_003036.4 (MANE Select); coding-DNA position 1785, C replaced by T.
Protein change: p.Arg595=; no amino-acid change (arginine 595 retained).
Molecular consequence: synonymous variant.
Genome position (GRCh38, 1-based): chr1:2,306,037, C>T. VCF-style: chr1-2306037-C-T. GRCh37 (hg19) VCF-style: chr1-2237476-C-T.
Identifiers: ClinVar variation 1780080 (VCV001780080.3), dbSNP rs199727876, ClinGen allele CA415458181.